The following is an entry in ClinVar:

ClinVar aggregate classification (germline): Uncertain significance (1 of 4 stars; one submission).

Conditions:
Idiopathic generalized epilepsy. Also called: EIG; Generalised epilepsy. Identifiers: MedGen C0270850, MONDO:0005579, OMIM 600669.
Hyperaldosteronism, familial, type IV (HALD4). Also called: FH IV; ALDOSTERONISM, PRIMARY, AND HYPERTENSION. Identifiers: Orphanet 642671, MedGen C4310756, MONDO:0014875, OMIM 617027.

Allele frequency attached by ClinVar (database versions not stated): TOPMed 0.00001; ExAC 0.00003; gnomAD exomes 0.00003 and 0.00005; gnomAD 0.00002.
gnomAD v4.1: 72 of 1,611,770 alleles (0.0045%); highest among the groups gnomAD compares: Non-Finnish European, 0.0052%; no homozygotes.

Submission:

Labcorp Genetics (formerly Invitae), Labcorp
Classification: Uncertain significance for Idiopathic generalized epilepsy; Hyperaldosteronism, familial, type IV. Last evaluated: 2025-07-21. Review status: criteria provided, single submitter. Criteria: Invitae Variant Classification Sherloc (09022015). Collection method: clinical testing. Allele origin: germline.
Comment: This sequence change replaces arginine, which is basic and polar, with histidine, which is basic and polar, at codon 1736 of the CACNA1H protein (p.Arg1736His). This variant is present in population databases (rs3889063, gnomAD 0.01%). This variant has not been reported in the literature in individuals affected with CACNA1H-related conditions. ClinVar contains an entry for this variant (Variation ID: 460140). Invitae Evidence Modeling of protein sequence and biophysical properties (such as structural, functional, and spatial information, amino acid conservation, physicochemical variation, residue mobility, and thermodynamic stability) indicates that this missense variant is expected to disrupt CACNA1H protein function with a positive predictive value of 80%. In summary, the available evidence is currently insufficient to determine the role of this variant in disease. Therefore, it has been classified as a Variant of Uncertain Significance.

NM_021098.3(CACNA1H):c.5207G>A (p.Arg1736His)

Gene: CACNA1H (calcium voltage-gated channel subunit alpha1 H; plus strand). Cytogenetic location: 16p13.3.
Variant type: single nucleotide variant.
Coding change: c.5207G>A on transcript NM_021098.3 (MANE Select); coding-DNA position 5207, G replaced by A.
Protein change: p.Arg1736His; replaces arginine 1736 with histidine.
Molecular consequence: missense variant.
Genome position (GRCh38, 1-based): chr16:1,215,556, G>A. VCF-style: chr16-1215556-G-A. GRCh37 (hg19) VCF-style: chr16-1265556-G-A.
Other names: c.5189G>A, p.Arg1730His (NM_001005407.2); short protein forms R1736H, R1730H.
Identifiers: ClinVar variation 460140 (VCV000460140.9), dbSNP rs3889063, ClinGen allele CA7801873.
Genomic context (GRCh38, chr16:1,215,556, plus strand): 5'-CTGCTGACGCTCAGCTCCCGGCCCTAGTGCTGAAGCTGCTGAAGATGGCTACGGGCATGC[G>A]CGCCCTGCTGGACACTGTGGTGCAAGCTCTCCCCCAGGTAGGTGGAGCCCGCGCCATCCT-3'
Protein context (NP_066921.2, residues 1726-1746): LKLLKMATGM[Arg1736His]ALLDTVVQAL